The following is an entry in ClinVar:

ClinVar aggregate classification (germline): Uncertain significance (1 of 4 stars; one submission).

Conditions:
Amyotrophic lateral sclerosis type 1 (ALS1). Also called: AMYOTROPHIC LATERAL SCLEROSIS 1, FAMILIAL. Identifiers: Orphanet 803, MedGen C1862939, MONDO:0007103, OMIM 105400.
Perry syndrome. Also called: PARKINSONISM WITH ALVEOLAR HYPOVENTILATION AND MENTAL DEPRESSION. Identifiers: Orphanet 178509, MedGen C1868594, MONDO:0008201, OMIM 168605.
Neuronopathy, distal hereditary motor, type 7B. Also called: NEURONOPATHY, DISTAL HEREDITARY MOTOR, AUTOSOMAL DOMINANT 14; NEURONOPATHY, DISTAL HEREDITARY MOTOR, HARDING TYPE VIIB; NEUROPATHY, DISTAL HEREDITARY MOTOR, HARDING TYPE VIIB; NEUROPATHY, DISTAL HEREDITARY MOTOR, WITH VOCAL CORD PARALYSIS, HARDING TYPE VIIB; HMN VIIB; LOWER MOTOR NEURON DISEASE, DYNACTIN TYPE. Identifiers: Orphanet 139589, MedGen C1843315, MONDO:0011879, OMIM 607641.

Submission:

Labcorp Genetics (formerly Invitae), Labcorp
Classification: Uncertain significance for Amyotrophic lateral sclerosis type 1; Neuronopathy, distal hereditary motor, type 7B; Perry syndrome. Last evaluated: 2022-09-15. Review status: criteria provided, single submitter. Criteria: Invitae Variant Classification Sherloc (09022015). Collection method: clinical testing. Allele origin: germline.
Comment: This sequence change replaces methionine, which is neutral and non-polar, with leucine, which is neutral and non-polar, at codon 265 of the DCTN1 protein (p.Met265Leu). This variant is not present in population databases (gnomAD no frequency). This variant has not been reported in the literature in individuals affected with DCTN1-related conditions. Advanced modeling of protein sequence and biophysical properties (such as structural, functional, and spatial information, amino acid conservation, physicochemical variation, residue mobility, and thermodynamic stability) has been performed at Invitae for this missense variant, however the output from this modeling did not meet the statistical confidence thresholds required to predict the impact of this variant on DCTN1 protein function. In summary, the available evidence is currently insufficient to determine the role of this variant in disease. Therefore, it has been classified as a Variant of Uncertain Significance.

NM_004082.5(DCTN1):c.793A>C (p.Met265Leu)

Gene: DCTN1 (dynactin subunit 1; minus strand). Cytogenetic location: 2p13.1.
Variant type: single nucleotide variant.
Coding change: c.793A>C on transcript NM_004082.5 (MANE Select); coding-DNA position 793, A replaced by C.
Protein change: p.Met265Leu; replaces methionine 265 with leucine.
Molecular consequence: missense variant. On other transcripts: non-coding transcript variant (1).
Genome position (GRCh38, 1-based): chr2:74,371,029, T>G on the plus strand (A>C on the coding strand, the complement: DCTN1 is on the minus strand). VCF-style: chr2-74371029-T-G. GRCh37 (hg19) VCF-style: chr2-74598156-T-G.
Other names: c.733A>C, p.Met245Leu (NM_001135040.3); c.391A>C, p.Met131Leu (NM_001135041.3, NM_023019.4); c.682A>C, p.Met228Leu (NM_001190836.2); c.772A>C, p.Met258Leu (NM_001190837.2); c.742A>C, p.Met248Leu (NM_001378991.1); c.724A>C, p.Met242Leu (NM_001378992.1); short protein forms M131L, M228L, M242L, M245L, M248L, M258L, M265L.
Identifiers: ClinVar variation 1719487 (VCV001719487.6), dbSNP rs2103663572, ClinGen allele CA347366075.